The following is an entry in ClinVar:

NM_003640.5(ELP1):c.2854A>C (p.Lys952Gln)

Gene: ELP1 (elongator acetyltransferase complex subunit 1; minus strand). Cytogenetic location: 9q31.3.
Variant type: single nucleotide variant.
Coding change: c.2854A>C on transcript NM_003640.5 (MANE Select); coding-DNA position 2854, A replaced by C.
Protein change: p.Lys952Gln; replaces lysine 952 with glutamine.
Molecular consequence: missense variant.
Genome position (GRCh38, 1-based): chr9:108,893,949, T>G on the plus strand (A>C on the coding strand, the complement: ELP1 is on the minus strand). VCF-style: chr9-108893949-T-G. GRCh37 (hg19) VCF-style: chr9-111656229-T-G.
Other names: c.2512A>C, p.Lys838Gln (NM_001318360.2); c.1807A>C, p.Lys603Gln (NM_001330749.2); short protein forms K838Q, K603Q, K952Q.
Identifiers: ClinVar variation 2089981 (VCV002089981.1), dbSNP rs2537884134, ClinGen allele CA374418732.

ClinVar aggregate classification (germline): Uncertain significance (1 of 4 stars; one submission).

Submission:

Labcorp Genetics (formerly Invitae), Labcorp
Classification: Uncertain significance. Last evaluated: 2022-01-26. Review status: criteria provided, single submitter. Criteria: Invitae Variant Classification Sherloc (09022015). Collection method: clinical testing. Allele origin: germline.
Comment: This sequence change replaces lysine, which is basic and polar, with glutamine, which is neutral and polar, at codon 952 of the ELP1 protein (p.Lys952Gln). This variant is not present in population databases (gnomAD no frequency). This variant has not been reported in the literature in individuals affected with ELP1-related conditions. Algorithms developed to predict the effect of missense changes on protein structure and function are either unavailable or do not agree on the potential impact of this missense change (SIFT: "Tolerated"; PolyPhen-2: "Probably Damaging"; Align-GVGD: "Class C0"). In summary, the available evidence is currently insufficient to determine the role of this variant in disease. Therefore, it has been classified as a Variant of Uncertain Significance.